The following is an entry in ClinVar:

NM_004006.3(DMD):c.9667G>T (p.Ala3223Ser)

Gene: DMD (dystrophin; minus strand). Cytogenetic location: Xp21.2.
Variant type: single nucleotide variant.
Coding change: c.9667G>T on transcript NM_004006.3 (MANE Select); coding-DNA position 9667, G replaced by T.
Protein change: p.Ala3223Ser; replaces alanine 3223 with serine.
Molecular consequence: missense variant.
Genome position (GRCh38, 1-based): chrX:31,204,101, C>A on the plus strand (G>T on the coding strand, the complement: DMD is on the minus strand). VCF-style: chrX-31204101-C-A. GRCh37 (hg19) VCF-style: chrX-31222218-C-A.
Other names: c.9667G>T (NM_004006.2); c.9643G>T, p.Ala3215Ser (NM_000109.4); c.9655G>T, p.Ala3219Ser (NM_004009.3); c.9298G>T, p.Ala3100Ser (NM_004010.3); c.5644G>T, p.Ala1882Ser (NM_004011.4); c.5635G>T, p.Ala1879Ser (NM_004012.4); c.2287G>T, p.Ala763Ser (NM_004013.3, NM_004020.4, NM_004021.3 and 2 more transcripts); c.1480G>T, p.Ala494Ser (NM_004014.3); and 1 more; short protein forms A155S, A3219S, A494S, A3215S, A1879S, A1882S, A3100S, A3223S.
Identifiers: ClinVar variation 1374893 (VCV001374893.12), dbSNP rs1319200626, ClinGen allele CA412648793.

ClinVar aggregate classification (germline): Conflicting classifications of pathogenicity. Review status: criteria provided, conflicting classifications (1 of 4 stars). 3 submissions from 3 submitters: Uncertain significance (2); Likely benign (1). Last evaluated 2025-07-03.

Conditions:
Cardiovascular phenotype. Identifiers: MedGen CN230736.
Duchenne muscular dystrophy (DMD). Also called: Duchenne Muscular Dystrophy (DMD); MUSCULAR DYSTROPHY, PSEUDOHYPERTROPHIC PROGRESSIVE, DUCHENNE TYPE. Identifiers: Orphanet 98896, MedGen C0013264, MONDO:0010679, OMIM 310200.

Allele frequency attached by ClinVar (database versions not stated): gnomAD exomes 0.00001 and below 0.00001; gnomAD 0.00001.
gnomAD v4.1: 1 of 1,211,007 alleles (0.000083%); highest among the groups gnomAD compares: African/African-American, 0.0017%; no homozygotes.

Submissions (3):

GeneDx
Classification: Uncertain significance. Last evaluated: 2025-07-03. Review status: criteria provided, single submitter. Criteria: GeneDx Variant Classification Process June 2021. Collection method: clinical testing. Allele origin: germline.
Comment: Not observed at significant frequency in large population cohorts (gnomAD); In silico analysis supports that this missense variant has a deleterious effect on protein structure/function; Missense variant in a gene in which most reported pathogenic variants are truncating/loss-of-function; Has not been previously published as pathogenic or benign to our knowledge

Ambry Genetics
Classification: Likely benign for Cardiovascular phenotype. Last evaluated: 2023-05-23. Review status: criteria provided, single submitter. Criteria: Ambry Variant Classification Scheme 2023. Collection method: clinical testing. Allele origin: germline.

Labcorp Genetics (formerly Invitae), Labcorp
Classification: Uncertain significance for Duchenne muscular dystrophy. Last evaluated: 2021-02-21. Review status: criteria provided, single submitter. Criteria: Invitae Variant Classification Sherloc (09022015). Collection method: clinical testing. Allele origin: germline.
Comment: In summary, the available evidence is currently insufficient to determine the role of this variant in disease. Therefore, it has been classified as a Variant of Uncertain Significance. Algorithms developed to predict the effect of missense changes on protein structure and function output the following: SIFT: "Deleterious"; PolyPhen-2: "Possibly Damaging"; Align-GVGD: "Class C65". The serine amino acid residue is found in multiple mammalian species, suggesting that this missense change does not adversely affect protein function. These predictions have not been confirmed by published functional studies and their clinical significance is uncertain. This variant has not been reported in the literature in individuals with DMD-related conditions. This variant is not present in population databases (ExAC no frequency). This sequence change replaces alanine with serine at codon 3223 of the DMD protein (p.Ala3223Ser). The alanine residue is highly conserved and there is a moderate physicochemical difference between alanine and serine.